The following is an entry in ClinVar:

ClinVar aggregate classification (germline): Uncertain significance (1 of 4 stars; one submission).

Allele frequency attached by ClinVar (database versions not stated): gnomAD 0.00001; gnomAD exomes 0.00001 and 0.00003; TOPMed 0.00002; ExAC 0.00003; ESP Exome Variant Server 0.00008.
gnomAD v4.1: 41 of 1,590,598 alleles (0.0026%); highest among the groups gnomAD compares: Non-Finnish European, 0.0035%; no homozygotes.

Submission:

Labcorp Genetics (formerly Invitae), Labcorp
Classification: Uncertain significance. Last evaluated: 2024-10-07. Review status: criteria provided, single submitter. Criteria: Invitae Variant Classification Sherloc (09022015). Collection method: clinical testing. Allele origin: germline.
Comment: This sequence change replaces proline, which is neutral and non-polar, with leucine, which is neutral and non-polar, at codon 300 of the GHR protein (p.Pro300Leu). This variant is present in population databases (rs370950215, gnomAD 0.004%). This variant has not been reported in the literature in individuals affected with GHR-related conditions. ClinVar contains an entry for this variant (Variation ID: 1479203). Invitae Evidence Modeling of protein sequence and biophysical properties (such as structural, functional, and spatial information, amino acid conservation, physicochemical variation, residue mobility, and thermodynamic stability) indicates that this missense variant is not expected to disrupt GHR protein function with a negative predictive value of 80%. In summary, the available evidence is currently insufficient to determine the role of this variant in disease. Therefore, it has been classified as a Variant of Uncertain Significance.

NM_000163.5(GHR):c.899C>T (p.Pro300Leu)

Gene: GHR (growth hormone receptor; plus strand). Cytogenetic location: 5p12.
Variant type: single nucleotide variant.
Coding change: c.899C>T on transcript NM_000163.5 (MANE Select); coding-DNA position 899, C replaced by T.
Protein change: p.Pro300Leu; replaces proline 300 with leucine.
Molecular consequence: missense variant. On other transcripts: intron variant (1).
Genome position (GRCh38, 1-based): chr5:42,718,075, C>T. VCF-style: chr5-42718075-C-T. GRCh37 (hg19) VCF-style: chr5-42718177-C-T.
Other names: c.920C>T, p.Pro307Leu (NM_001242399.2); c.899C>T, p.Pro300Leu (NM_001242400.2, NM_001242401.4, NM_001242402.2 and 4 more transcripts); c.833C>T, p.Pro278Leu (NM_001242460.2); c.876-378C>T (NM_001242462.1); short protein forms P278L, P300L, P307L.
Identifiers: ClinVar variation 1479203 (VCV001479203.7), dbSNP rs370950215, ClinGen allele CA3254546.